The following is an entry in ClinVar:

NM_170784.3(MKKS):c.70A>T (p.Thr24Ser)

Gene: MKKS (MKKS centrosomal shuttling protein; minus strand). Cytogenetic location: 20p12.2.
Variant type: single nucleotide variant.
Coding change: c.70A>T on transcript NM_170784.3 (MANE Select); coding-DNA position 70, A replaced by T.
Protein change: p.Thr24Ser; replaces threonine 24 with serine.
Molecular consequence: missense variant.
Genome position (GRCh38, 1-based): chr20:10,413,445, T>A on the plus strand (A>T on the coding strand, the complement: MKKS is on the minus strand). VCF-style: chr20-10413445-T-A. GRCh37 (hg19) VCF-style: chr20-10394093-T-A.
Other names: c.70A>T, p.Thr24Ser (NM_018848.3); short protein forms T24S.
Identifiers: ClinVar variation 3352538 (VCV003352538.1).

ClinVar aggregate classification (germline): Uncertain significance (0 of 4 stars; one submission).

Conditions:
MKKS-related disorder. Also called: MKKS-related condition; MKKS-related disorders.

gnomAD v4.1: 9 of 1,613,960 alleles (0.00056%); highest among the groups gnomAD compares: African/African-American, 0.0053%; no homozygotes.

Submission:

PreventionGenetics, part of Exact Sciences
Classification: Uncertain significance for MKKS-related condition. Last evaluated: 2024-09-04. Review status: no assertion criteria provided. Collection method: clinical testing. Allele origin: germline.
Comment: The MKKS c.70A>T variant is predicted to result in the amino acid substitution p.Thr24Ser. To our knowledge, this variant has not been reported in the literature. This variant is reported in 0.0057% of alleles in individuals of Latino descent in gnomAD. At this time, the clinical significance of this variant is uncertain due to the absence of conclusive functional and genetic evidence.